The following is an entry in ClinVar:

ClinVar aggregate classification (germline): Uncertain significance. Review status: criteria provided, multiple submitters, no conflicts (2 of 4 stars). 2 submissions from 2 submitters: Uncertain significance (2). Last evaluated 2023-08-31.

Conditions:
Hereditary cancer-predisposing syndrome. Also called: Neoplastic Syndromes, Hereditary; Tumor predisposition; Hereditary neoplastic syndrome; Hereditary Cancer Syndrome. Identifiers: Orphanet 140162, MedGen C0027672, MeSH D009386, MONDO:0015356.
Familial adenomatous polyposis 1 (FAP1). Also called: POLYPOSIS, ADENOMATOUS INTESTINAL; FAMILIAL ADENOMATOUS POLYPOSIS 1, ATTENUATED. Identifiers: MedGen C2713442, MONDO:0021056, OMIM 175100. Disease mechanism: loss of function.

Allele frequency attached by ClinVar (database versions not stated): gnomAD exomes below 0.00001.
gnomAD v4.1: 1 of 1,613,936 alleles (0.000062%); highest among the groups gnomAD compares: Non-Finnish European, 0.000085%; no homozygotes.

Submissions (2):

Labcorp Genetics (formerly Invitae), Labcorp
Classification: Uncertain significance for Familial adenomatous polyposis 1. Last evaluated: 2023-08-31. Review status: criteria provided, single submitter. Criteria: Invitae Variant Classification Sherloc (09022015). Collection method: clinical testing. Allele origin: germline.
Comment: In summary, the available evidence is currently insufficient to determine the role of this variant in disease. Therefore, it has been classified as a Variant of Uncertain Significance. Advanced modeling of protein sequence and biophysical properties (such as structural, functional, and spatial information, amino acid conservation, physicochemical variation, residue mobility, and thermodynamic stability) performed at Invitae indicates that this missense variant is not expected to disrupt APC protein function. ClinVar contains an entry for this variant (Variation ID: 825503). This variant has not been reported in the literature in individuals affected with APC-related conditions. This variant is not present in population databases (gnomAD no frequency). This sequence change replaces leucine, which is neutral and non-polar, with phenylalanine, which is neutral and non-polar, at codon 1724 of the APC protein (p.Leu1724Phe).

Ambry Genetics
Classification: Uncertain significance for Hereditary cancer-predisposing syndrome. Last evaluated: 2023-03-31. Review status: criteria provided, single submitter. Criteria: Ambry Variant Classification Scheme 2023. Collection method: clinical testing. Allele origin: germline.
Comment: The p.L1724F variant (also known as c.5170C>T), located in coding exon 15 of the APC gene, results from a C to T substitution at nucleotide position 5170. The leucine at codon 1724 is replaced by phenylalanine, an amino acid with highly similar properties. This amino acid position is highly conserved in available vertebrate species. In addition, in silico predictors for this gene do not accurately predict pathogenicity. Since supporting evidence is limited at this time, the clinical significance of this alteration remains unclear.

NM_000038.6(APC):c.5170C>T (p.Leu1724Phe)

Gene: APC (APC regulator of Wnt signaling pathway; plus strand). Cytogenetic location: 5q22.2.
Variant type: single nucleotide variant.
Coding change: c.5170C>T on transcript NM_000038.6 (MANE Select); coding-DNA position 5170, C replaced by T.
Protein change: p.Leu1724Phe; replaces leucine 1724 with phenylalanine.
Molecular consequence: missense variant.
Genome position (GRCh38, 1-based): chr5:112,840,764, C>T. VCF-style: chr5-112840764-C-T. GRCh37 (hg19) VCF-style: chr5-112176461-C-T.
Other names: c.5170C>T, p.Leu1724Phe (NM_001127510.3, NM_001354895.2); c.5116C>T, p.Leu1706Phe (NM_001127511.3); c.5224C>T, p.Leu1742Phe (NM_001354896.2); c.5200C>T, p.Leu1734Phe (NM_001354897.2); c.5095C>T, p.Leu1699Phe (NM_001354898.2); c.5086C>T, p.Leu1696Phe (NM_001354899.2); c.5047C>T, p.Leu1683Phe (NM_001354900.2); c.4993C>T, p.Leu1665Phe (NM_001354901.2); and 5 more; short protein forms L1598F, L1699F, L1742F, L1564F, L1623F, L1633F, L1665F, L1724F.
Identifiers: ClinVar variation 825503 (VCV000825503.12), dbSNP rs201415309, ClinGen allele CA16032633.
Genomic context (GRCh38, chr5:112,840,764, plus strand): 5'-AAAACCTCATCTGTAACCATACCTGAATTGGATGACAATAAAGCAGAGGAAGGTGATATT[C>T]TTGCAGAATGCATTAATTCTGCTATGCCCAAAGGGAAAAGTCACAAGCCTTTCCGTGTGA-3'
Protein context (NP_000029.2, residues 1714-1734): DDNKAEEGDI[Leu1724Phe]AECINSAMPK